The following is an entry in ClinVar:

NM_004239.4(TRIP11):c.312+6T>C

Gene: TRIP11 (thyroid hormone receptor interactor 11; minus strand). Cytogenetic location: 14q32.12.
Variant type: single nucleotide variant.
Coding change: c.312+6T>C on transcript NM_004239.4 (MANE Select); 6 bases into the intron after coding-DNA position 312, T replaced by C.
Molecular consequence: intron variant.
Genome position (GRCh38, 1-based): chr14:92,025,304, A>G on the plus strand (T>C on the coding strand, the complement: TRIP11 is on the minus strand). VCF-style: chr14-92025304-A-G. GRCh37 (hg19) VCF-style: chr14-92491648-A-G.
Other names: c.309+6T>C (NM_001321851.1).
Identifiers: ClinVar variation 2073035 (VCV002073035.4), dbSNP rs763388904, ClinGen allele CA7314231.
Genomic context (GRCh38, chr14:92,025,304, plus strand): 5'-AACTCTAAAAACATACCTAAATACATTACAGTGAAGTACATATGAAGTAACTGTGATAAC[A>G]TTTACCTCTTTTTGTTGAAGTTGATTTCGGTAACTTGTAGATTGCTGCTTTATTTGAATC-3'

ClinVar aggregate classification (germline): Uncertain significance (1 of 4 stars; one submission).

Conditions:
Achondrogenesis, type IA (ACG1A). Identifiers: Orphanet 932, Orphanet 93299, MedGen C0265273, MONDO:0008701, OMIM 200600.

Allele frequency attached by ClinVar (database versions not stated): ExAC 0.00001; gnomAD 0.00001; gnomAD exomes 0.00001.
gnomAD v4.1: 4 of 1,604,168 alleles (0.00025%); highest among the groups gnomAD compares: South Asian, 0.0033%; no homozygotes.

Submission:

Labcorp Genetics (formerly Invitae), Labcorp
Classification: Uncertain significance for Achondrogenesis, type IA. Last evaluated: 2022-08-02. Review status: criteria provided, single submitter. Criteria: Invitae Variant Classification Sherloc (09022015). Collection method: clinical testing. Allele origin: germline.
Comment: In summary, the available evidence is currently insufficient to determine the role of this variant in disease. Therefore, it has been classified as a Variant of Uncertain Significance. Variants that disrupt the consensus splice site are a relatively common cause of aberrant splicing (PMID: 17576681, 9536098). Algorithms developed to predict the effect of sequence changes on RNA splicing suggest that this variant is not likely to affect RNA splicing. This variant has not been reported in the literature in individuals affected with TRIP11-related conditions. This variant is present in population databases (rs763388904, gnomAD 0.003%). This sequence change falls in intron 3 of the TRIP11 gene. It does not directly change the encoded amino acid sequence of the TRIP11 protein. It affects a nucleotide within the consensus splice site.

Literature cited by the submitters: PubMed 17576681; PubMed 9536098.